The following is an entry in ClinVar:

ClinVar aggregate classification (germline): Uncertain significance (1 of 4 stars; one submission).

Conditions:
NCOA1-related disorder. Also called: NCOA1-related condition.

gnomAD v4.1: 3 of 1,609,524 alleles (0.00019%); highest among the groups gnomAD compares: Non-Finnish European, 0.00025%; no homozygotes.

Submission:

PreventionGenetics, part of Exact Sciences
Classification: Uncertain significance for NCOA1-related condition. Last evaluated: 2026-08-31. Review status: criteria provided, single submitter. Criteria: ACMG Guidelines, 2015. Collection method: clinical testing. Allele origin: germline.
Comment: The NCOA1 c.2641G>A variant is predicted to result in the amino acid substitution p.Gly881Arg. To our knowledge, this variant has not been reported in the literature or in a large population database (gnomAD), indicating this variant is rare. At this time, the clinical significance of this variant is uncertain due to the absence of conclusive functional and genetic evidence.

NM_003743.5(NCOA1):c.2641G>A (p.Gly881Arg)

Gene: NCOA1 (nuclear receptor coactivator 1; plus strand). Cytogenetic location: 2p23.3.
Variant type: single nucleotide variant.
Coding change: c.2641G>A on transcript NM_003743.5 (MANE Select); coding-DNA position 2641, G replaced by A.
Protein change: p.Gly881Arg; replaces glycine 881 with arginine.
Molecular consequence: missense variant.
Genome position (GRCh38, 1-based): chr2:24,726,630, G>A. VCF-style: chr2-24726630-G-A. GRCh37 (hg19) VCF-style: chr2-24949499-G-A.
Other names: c.2641G>A, p.Gly881Arg (NM_001362950.1, NM_001362952.1, NM_001362954.1 and 3 more transcripts); short protein forms G881R.
Identifiers: ClinVar variation 4991225 (VCV004991225.1).